The following is an entry in ClinVar:

ClinVar aggregate classification (germline): Likely benign (1 of 4 stars; one submission).

Conditions:
ZFYVE19-related disorder. Also called: ZFYVE19-related condition.

gnomAD v4.1: 2,998 of 1,613,098 alleles (0.19%); highest among the groups gnomAD compares: Non-Finnish European, 0.22%; 4 homozygotes.

Submission:

PreventionGenetics, part of Exact Sciences
Classification: Likely benign for ZFYVE19-related condition. Last evaluated: 2026-04-03. Review status: criteria provided, single submitter. Criteria: ACMG Guidelines, 2015. Collection method: clinical testing. Allele origin: germline.
Comment: This variant is classified as likely benign based on ACMG/AMP sequence variant interpretation guidelines (Richards et al. 2015 PMID: 25741868, with internal and published modifications).

NM_001077268.2(ZFYVE19):c.56G>C (p.Arg19Thr)

Gene: ZFYVE19 (zinc finger FYVE-type containing 19; plus strand). Cytogenetic location: 15q15.1.
Variant type: single nucleotide variant.
Coding change: c.56G>C on transcript NM_001077268.2 (MANE Select); coding-DNA position 56, G replaced by C.
Protein change: p.Arg19Thr; replaces arginine 19 with threonine.
Molecular consequence: missense variant. On other transcripts: 5 prime UTR variant (1), intron variant (1).
Genome position (GRCh38, 1-based): chr15:40,807,645, G>C. VCF-style: chr15-40807645-G-C. GRCh37 (hg19) VCF-style: chr15-41099843-G-C.
Other names: c.56G>C, p.Arg19Thr (NM_001258420.2); c.-273G>C (NM_001258421.2); c.125+232G>C (NM_032850.5); short protein forms R19T.
Identifiers: ClinVar variation 4977070 (VCV004977070.1).